The following is an entry in ClinVar:

NM_032578.4(MYPN):c.3911C>T (p.Thr1304Met)

Gene: MYPN (myopalladin; plus strand). Cytogenetic location: 10q21.3.
Variant type: single nucleotide variant.
Coding change: c.3911C>T on transcript NM_032578.4 (MANE Select); coding-DNA position 3911, C replaced by T.
Protein change: p.Thr1304Met; replaces threonine 1304 with methionine.
Molecular consequence: missense variant. On other transcripts: non-coding transcript variant (2).
Genome position (GRCh38, 1-based): chr10:68,210,403, C>T. VCF-style: chr10-68210403-C-T. GRCh37 (hg19) VCF-style: chr10-69970160-C-T.
Other names: c.3911C>T, p.Thr1304Met (NM_001256267.2); c.3029C>T, p.Thr1010Met (NM_001256268.2); c.3911C>T (NM_032578.3); short protein forms T1010M, T1304M.
Identifiers: ClinVar variation 1374252 (VCV001374252.10), dbSNP rs749719592, ClinGen allele CA5523187.
Genomic context (GRCh38, chr10:68,210,403, plus strand): 5'-ACGGATCTCTCACCAGTAAAGGACTTGACATATTTTCTGCCTTTTCCTCCATGGAAAGCA[C>T]GATGGTGTATTCATGCTCTTCTCGGAGTGTAGTGGAGAGTGATGAACTTTAAGAATGTCT-3'
Protein context (NP_115967.2, residues 1294-1314): IFSAFSSMES[Thr1304Met]MVYSCSSRSV

ClinVar aggregate classification (germline): Uncertain significance. Review status: criteria provided, multiple submitters, no conflicts (2 of 4 stars). 3 submissions from 3 submitters: Uncertain significance (3). Last evaluated 2025-03-27.

Conditions:
MYPN-related disorder. Also called: MYPN-related condition.
Cardiovascular phenotype. Identifiers: MedGen CN230736.
Dilated cardiomyopathy 1KK (CMD1KK). Identifiers: Orphanet 154, Orphanet 75249, MedGen C3714995, MONDO:0014100, OMIM 615248.

Allele frequency attached by ClinVar (database versions not stated): gnomAD exomes 0.00001 and 0.00002; ExAC 0.00002; gnomAD 0.00002; TOPMed 0.00002.
gnomAD v4.1: 13 of 1,614,014 alleles (0.00081%); highest among the groups gnomAD compares: African/African-American, 0.004%; no homozygotes.

Submissions (3):

Ambry Genetics
Classification: Uncertain significance for Cardiovascular phenotype. Last evaluated: 2025-03-27. Review status: criteria provided, single submitter. Criteria: Ambry Variant Classification Scheme 2023. Collection method: clinical testing. Allele origin: germline.
Comment: The p.T1304M variant (also known as c.3911C>T), located in coding exon 19 of the MYPN gene, results from a C to T substitution at nucleotide position 3911. The threonine at codon 1304 is replaced by methionine, an amino acid with similar properties. This alteration has been reported in a dilated cardiomyopathy (DCM) cohort; however, clinical details were limited (Verdonschot JAJ et al. Circ Genom Precis Med, 2020 10;13:476-487). This amino acid position is not well conserved in available vertebrate species. In addition, this alteration is predicted to be tolerated by in silico analysis. Since supporting evidence is limited at this time, the clinical significance of this alteration remains unclear.

PreventionGenetics, part of Exact Sciences
Classification: Uncertain significance for MYPN-related condition. Last evaluated: 2024-11-25. Review status: criteria provided, single submitter. Criteria: ACMG Guidelines, 2015. Collection method: clinical testing. Allele origin: germline.
Comment: The MYPN c.3911C>T variant is predicted to result in the amino acid substitution p.Thr1304Met. This variant was reported in an individual with dilated cardiomyopathy (Supplemental Table 4, Verdonschot et al. 2020. PubMed ID: 32880476). This variant is reported in 0.0065% of alleles in individuals of South Asian descent in gnomAD. At this time, the clinical significance of this variant is uncertain due to the absence of conclusive functional and genetic evidence.

Labcorp Genetics (formerly Invitae), Labcorp
Classification: Uncertain significance for Dilated cardiomyopathy 1KK. Last evaluated: 2021-11-18. Review status: criteria provided, single submitter. Criteria: Invitae Variant Classification Sherloc (09022015). Collection method: clinical testing. Allele origin: germline.
Comment: This variant is present in population databases (rs749719592, gnomAD 0.01%). This missense change has been observed in individual(s) with dilated cardiomyopathy (PMID: 32880476). Algorithms developed to predict the effect of missense changes on protein structure and function are either unavailable or do not agree on the potential impact of this missense change (SIFT: "Tolerated"; PolyPhen-2: "Possibly Damaging"; Align-GVGD: "Class C0"). In summary, the available evidence is currently insufficient to determine the role of this variant in disease. Therefore, it has been classified as a Variant of Uncertain Significance. This sequence change replaces threonine, which is neutral and polar, with methionine, which is neutral and non-polar, at codon 1304 of the MYPN protein (p.Thr1304Met).

Literature cited by the submitters: PubMed 32880476 (cited by Ambry Genetics and Labcorp Genetics (formerly Invitae), Labcorp).